The following is an entry in ClinVar:

NM_001018005.2(TPM1):c.830C>G (p.Ala277Gly)

Gene: TPM1 (tropomyosin 1; plus strand). Cytogenetic location: 15q22.2.
Variant type: single nucleotide variant.
Coding change: c.830C>G on transcript NM_001018005.2 (MANE Select); coding-DNA position 830, C replaced by G.
Protein change: p.Ala277Gly; replaces alanine 277 with glycine.
Molecular consequence: missense variant. On other transcripts: intron variant (12).
Genome position (GRCh38, 1-based): chr15:63,064,121, C>G. VCF-style: chr15-63064121-C-G. GRCh37 (hg19) VCF-style: chr15-63356320-C-G.
Other names: p.A277G:GCT>GGT; c.830C>G, p.Ala277Gly (NM_000366.6, NM_001301244.2, NM_001365779.1); c.722C>G, p.Ala241Gly (NM_001330346.2, NM_001365781.2, NM_001365782.1); c.898+1476C>G (NM_001365778.1); c.772+1476C>G (NM_001018020.2, NM_001018007.2, NM_001018006.2 and 3 more transcripts); c.664+1476C>G (NM_001330351.2, NM_001330344.2, NM_001018008.2 and 2 more transcripts); short protein forms A277G, A241G.
Identifiers: ClinVar variation 43445 (VCV000043445.6), dbSNP rs199476320, ClinGen allele CA018391.

ClinVar aggregate classification (germline): Uncertain significance. Review status: criteria provided, multiple submitters, no conflicts (2 of 4 stars). 2 submissions from 2 submitters: Uncertain significance (2). Last evaluated 2018-12-31.

Allele frequency attached by ClinVar (database versions not stated): TOPMed below 0.00001; gnomAD 0.00001.
gnomAD v4.1: 1 of 1,614,014 alleles (0.000062%); highest among the groups gnomAD compares: Non-Finnish European, 0.000085%; no homozygotes.

Submissions (2):

Laboratory for Molecular Medicine, Mass General Brigham Personalized Medicine
Classification: Uncertain significance. Last evaluated: 2018-12-31. Review status: criteria provided, single submitter. Criteria: LMM Criteria. Collection method: clinical testing. Allele origin: germline. Observed: 1 variant allele.
Comment: proposed classification - variant undergoing re-assessment, contact laboratory

GeneDx
Classification: Uncertain significance. Last evaluated: 2012-07-13. Review status: criteria provided, single submitter. Criteria: GeneDx Variant Classification (06012015). Collection method: clinical testing. Allele origin: germline. Affected: yes.
Comment: The Ala277Gly variant in the TPM1 gene has not been reported previously as a disease-causing mutation or as a benign polymorphism, to our knowledge. However, this individual also harbored a mutation in the TNNT2 gene (Hershberger R et al., 2010; Rampersaud E et al., 2011). Ala277Gly is a conservative amino acid substitution of one non-polar amino acid for another at a position that is conserved across species. A mutation in a nearby codon (Met281Thr) has been reported in association with cardiomyopathy, supporting the functional importance of this region of the protein. Furthermore, the NHLBI ESP Exome Variant Server reports Ala277Gly was not observed in over 5,000 samples from individuals of European and African American backgrounds, indicating it is not a common variant in these populations. In summary, with the clinical and molecular information available at this time, we cannot determine whether Ala277Gly in the TPM1 gene is a disease-causing mutation or a benign variant. The variant is found in DCM panel(s).